The following is an entry in ClinVar:

NM_000051.4(ATM):c.8763G>A (p.Thr2921=)

Genes: ATM (ATM serine/threonine kinase; plus strand), C11orf65 (chromosome 11 open reading frame 65; minus strand). Cytogenetic location: 11q22.3.
Variant type: single nucleotide variant.
Coding change: c.8763G>A on transcript NM_000051.4 (MANE Select); coding-DNA position 8763, G replaced by A.
Protein change: p.Thr2921=; no amino-acid change (threonine 2921 retained).
Molecular consequence: synonymous variant. On other transcripts: intron variant (2).
Genome position (GRCh38, 1-based): chr11:108,353,857, G>A. VCF-style: chr11-108353857-G-A. GRCh37 (hg19) VCF-style: chr11-108224584-G-A.
Other names: c.8763G>A, p.Thr2921= (NM_001351834.2); c.640+32063C>T (NM_001330368.2); c.695-18565C>T (NM_001351110.2).
Identifiers: ClinVar variation 184226 (VCV000184226.21), dbSNP rs781528244, ClinGen allele CA188268.

ClinVar aggregate classification (germline): Conflicting classifications of pathogenicity. Review status: criteria provided, conflicting classifications (1 of 4 stars). 6 submissions from 6 submitters: Uncertain significance (1); Benign (1); Likely benign (4). Last evaluated 2025-06-20.

Conditions:
Hereditary cancer-predisposing syndrome. Also called: Hereditary Cancer Syndrome; Tumor predisposition; Neoplastic Syndromes, Hereditary; Hereditary neoplastic syndrome. Identifiers: Orphanet 140162, MedGen C0027672, MeSH D009386, MONDO:0015356.
Ataxia-telangiectasia syndrome (AT). Also called: ATAXIA-TELANGIECTASIA, COMPLEMENTATION GROUP A; ATAXIA-TELANGIECTASIA, FRESNO VARIANT; Ataxia-telangiectasia; Ataxia-telangiectasia, complementation group E; Cerebello-oculocutaneous telangiectasia; Immunodeficiency with ataxia telangiectasia. Identifiers: Orphanet 100, MedGen C0004135, MONDO:0008840, OMIM 208900.
Familial cancer of breast. Also called: hereditary breast carcinoma; BREAST CANCER, FAMILIAL; Hereditary breast cancer. Identifiers: Orphanet 227535, MedGen C0346153, MONDO:0016419, OMIM 114480. Disease mechanism: loss of function.

Allele frequency attached by ClinVar (database versions not stated): TOPMed 0.00005.
gnomAD v4.1: 9 of 1,613,552 alleles (0.00056%); highest among the groups gnomAD compares: Admixed American, 0.0033%; no homozygotes.

Submissions (6):

Labcorp Genetics (formerly Invitae), Labcorp
Classification: Likely benign for Ataxia-telangiectasia syndrome. Last evaluated: 2025-06-20. Review status: criteria provided, single submitter. Criteria: Invitae Variant Classification Sherloc (09022015). Collection method: clinical testing. Allele origin: germline.

Myriad Genetics, Inc.
Classification: Benign for Familial cancer of breast. Last evaluated: 2024-06-20. Review status: criteria provided, single submitter. Criteria: Myriad Autosomal Dominant, Autosomal Recessive and X-Linked Classification Criteria (2023). Collection method: clinical testing. Allele origin: unknown.
Comment: This variant is considered benign. This variant is a silent/synonymous amino acid change and it is not expected to impact splicing.

Institute for Clinical Genetics, University Hospital TU Dresden, University Hospital TU Dresden
Classification: Uncertain significance. Last evaluated: 2021-11-03. Review status: criteria provided, single submitter. Criteria: ACMG Guidelines, 2015. Collection method: clinical testing. Allele origin: germline.

GeneDx
Classification: Likely benign. Last evaluated: 2018-10-19. Review status: criteria provided, single submitter. Criteria: GeneDx Variant Classification Process June 2021. Collection method: clinical testing. Allele origin: germline. Affected: yes.

Color Diagnostics, LLC DBA Color Health
Classification: Likely benign for Hereditary cancer-predisposing syndrome. Last evaluated: 2017-05-29. Review status: criteria provided, single submitter. Criteria: ACMG Guidelines, 2015. Collection method: clinical testing. Allele origin: germline.

Ambry Genetics
Classification: Likely benign for Hereditary cancer-predisposing syndrome. Last evaluated: 2015-09-02. Review status: criteria provided, single submitter. Criteria: Ambry Variant Classification Scheme 2023. Collection method: clinical testing. Allele origin: germline.